The following is an entry in ClinVar:

NC_000022.11:g.(?_31893562)_(31897673_?)del

Gene: DEPDC5 (DEP domain containing 5, GATOR1 subcomplex subunit; plus strand). Cytogenetic location: 22q12.3.
Variant type: Deletion.
Identifiers: ClinVar variation 831616 (VCV000831616.7).

ClinVar aggregate classification (germline): Uncertain significance (1 of 4 stars; one submission).

Conditions:
Familial focal epilepsy with variable foci (FPEVF). Identifiers: Orphanet 98820, MedGen C1858477, MONDO:0020310.

Submission:

Labcorp Genetics (formerly Invitae), Labcorp
Classification: Uncertain significance for Familial focal epilepsy with variable foci. Last evaluated: 2023-11-27. Review status: criteria provided, single submitter. Criteria: Invitae Variant Classification Sherloc (09022015). Collection method: clinical testing. Allele origin: germline.
Comment: This variant is a gross deletion of the genomic region encompassing exon(s) 39-40 of the DEPDC5 gene. This variant would be expected to be in-frame, preserving the integrity of the reading frame. This variant has not been reported in the literature in individuals affected with DEPDC5-related conditions. In summary, the available evidence is currently insufficient to determine the role of this variant in disease. Therefore, it has been classified as a Variant of Uncertain Significance.